The following is an entry in ClinVar:

ClinVar aggregate classification (germline): Conflicting classifications of pathogenicity. Review status: criteria provided, conflicting classifications (1 of 4 stars). 2 submissions from 2 submitters: Uncertain significance (1); Likely benign (1). Last evaluated 2024-10-22.

Allele frequency attached by ClinVar (database versions not stated): gnomAD exomes 0.00003 and 0.00005; ExAC 0.00004; gnomAD 0.00006; TOPMed 0.00007.
gnomAD v4.1: 55 of 1,603,628 alleles (0.0034%); highest among the groups gnomAD compares: Middle Eastern, 0.016%; no homozygotes.

Submissions (2):

Labcorp Genetics (formerly Invitae), Labcorp
Classification: Uncertain significance. Last evaluated: 2024-10-22. Review status: criteria provided, single submitter. Criteria: Invitae Variant Classification Sherloc (09022015). Collection method: clinical testing. Allele origin: germline.
Comment: This sequence change falls in intron 4 of the TMEM126A gene. It does not directly change the encoded amino acid sequence of the TMEM126A protein. It affects a nucleotide within the consensus splice site. This variant is present in population databases (rs758007906, gnomAD 0.006%). This variant has not been reported in the literature in individuals affected with TMEM126A-related conditions. ClinVar contains an entry for this variant (Variation ID: 839517). Variants that disrupt the consensus splice site are a relatively common cause of aberrant splicing (PMID: 17576681, 9536098). Algorithms developed to predict the effect of sequence changes on RNA splicing suggest that this variant is not likely to affect RNA splicing. In summary, the available evidence is currently insufficient to determine the role of this variant in disease. Therefore, it has been classified as a Variant of Uncertain Significance.

Blueprint Genetics
Classification: Likely benign. Last evaluated: 2023-12-15. Review status: criteria provided, single submitter. Criteria: ACMG Guidelines, 2015. Collection method: clinical testing. Allele origin: germline.

Literature cited by the submitters: PubMed 17576681 (cited by Labcorp Genetics (formerly Invitae), Labcorp); PubMed 9536098 (cited by Labcorp Genetics (formerly Invitae), Labcorp).

NM_032273.4(TMEM126A):c.395+4G>A

Gene: TMEM126A (transmembrane protein 126A; plus strand). Cytogenetic location: 11q14.1.
Variant type: single nucleotide variant.
Coding change: c.395+4G>A on transcript NM_032273.4 (MANE Select); 4 bases into the intron after coding-DNA position 395, G replaced by A.
Molecular consequence: intron variant.
Genome position (GRCh38, 1-based): chr11:85,655,712, G>A. VCF-style: chr11-85655712-G-A. GRCh37 (hg19) VCF-style: chr11-85366756-G-A.
Other names: c.185+4G>A (NM_001244735.2).
Identifiers: ClinVar variation 839517 (VCV000839517.7), dbSNP rs758007906, ClinGen allele CA6212777.